The following is an entry in ClinVar:

ClinVar aggregate classification (germline): Pathogenic. Review status: criteria provided, multiple submitters, no conflicts (2 of 4 stars). 2 submissions from 2 submitters: Pathogenic (2). Last evaluated 2024-01-27.

Conditions:
Catecholaminergic polymorphic ventricular tachycardia 1. Also called: VENTRICULAR TACHYCARDIA, CATECHOLAMINERGIC POLYMORPHIC, 1, WITH OR WITHOUT ATRIAL DYSFUNCTION AND/OR DILATED CARDIOMYOPATHY; VENTRICULAR TACHYCARDIA, STRESS-INDUCED POLYMORPHIC 1; RYR2-Related Catecholaminergic Polymorphic Ventricular Tachycardia. Identifiers: Orphanet 3286, MedGen C1631597, MONDO:0011484, OMIM 604772.
Cardiovascular phenotype. Identifiers: MedGen CN230736.

Submissions (2):

Labcorp Genetics (formerly Invitae), Labcorp
Classification: Pathogenic for Catecholaminergic polymorphic ventricular tachycardia 1. Last evaluated: 2024-01-27. Review status: criteria provided, single submitter. Criteria: Invitae Variant Classification Sherloc (09022015). Collection method: clinical testing. Allele origin: germline.
Comment: This sequence change creates a premature translational stop signal (p.Glu178Lysfs*3) in the TRDN gene. While this is not anticipated to result in nonsense mediated decay, it is expected to disrupt the last 552 amino acid(s) of the TRDN protein. This variant is not present in population databases (gnomAD no frequency). This variant has not been reported in the literature in individuals affected with TRDN-related conditions. ClinVar contains an entry for this variant (Variation ID: 1746830). This variant disrupts a region of the TRDN protein in which other variant(s) ( p.Ala208Leufs*15 and p.Gln205*) have been determined to be pathogenic (PMID: 22422768, 26200674, 30649896). This suggests that this is a clinically significant region of the protein, and that variants that disrupt it are likely to be disease-causing. For these reasons, this variant has been classified as Pathogenic.

Ambry Genetics
Classification: Pathogenic for Cardiovascular phenotype. Last evaluated: 2022-05-12. Review status: criteria provided, single submitter. Criteria: Ambry Variant Classification Scheme 2023. Collection method: clinical testing. Allele origin: germline.
Comment: The c.532_533delGA pathogenic mutation, located in coding exon 6 of the TRDN gene, results from a deletion of two nucleotides at nucleotide positions 532 to 533, causing a translational frameshift with a predicted alternate stop codon (p.E178Kfs*3). This alteration is expected to result in loss of function by premature protein truncation or nonsense-mediated mRNA decay. As such, this alteration is interpreted as a disease-causing mutation.

Literature cited by the submitters: PubMed 22422768 (cited by Labcorp Genetics (formerly Invitae), Labcorp); PubMed 26200674 (cited by Labcorp Genetics (formerly Invitae), Labcorp); PubMed 30649896 (cited by Labcorp Genetics (formerly Invitae), Labcorp).

NM_006073.4(TRDN):c.532_533del (p.Glu178fs)

Gene: TRDN (triadin; minus strand). Cytogenetic location: 6q22.31.
Variant type: Deletion.
Coding change: c.532_533del on transcript NM_006073.4 (MANE Select); coding-DNA positions 532 to 533, 2 bases deleted (GA; older notation c.532_533delGA).
Protein change: p.Glu178fs; shifts the reading frame from glutamic acid 178.
Molecular consequence: frameshift variant.
Genome position (GRCh38, 1-based): chr6:123,516,158-123,516,159, TC deleted on the plus strand (GA on the coding strand, the reverse complement: TRDN is on the minus strand); deleting any 2 consecutive bases within chr6:123,516,158-123,516,160 gives the same sequence; the c. name uses the placement nearest the transcript's 3' end. VCF-style (leftmost placement, unchanged base first): chr6-123516157-TTC-T. GRCh37 (hg19) VCF-style: chr6-123837302-TTC-T.
Other names: c.532_533del, p.Glu178fs (NM_001251987.2, NM_001256020.2, NM_001256021.2); c.531_532delAG, p.Glu178Lysfs (NM_001407315.1); short protein forms E178fs.
Identifiers: ClinVar variation 1746830 (VCV001746830.5), dbSNP rs2534346909, ClinGen allele CA2580074869.